The following is an entry in ClinVar:

NM_001145809.2(MYH14):c.6096A>C (p.Pro2032=)

Gene: MYH14 (myosin heavy chain 14; plus strand). Cytogenetic location: 19q13.33.
Variant type: single nucleotide variant.
Coding change: c.6096A>C on transcript NM_001145809.2 (MANE Select); coding-DNA position 6096, A replaced by C.
Protein change: p.Pro2032=; no amino-acid change (proline 2032 retained).
Molecular consequence: synonymous variant.
Genome position (GRCh38, 1-based): chr19:50,309,775, A>C. VCF-style: chr19-50309775-A-C. GRCh37 (hg19) VCF-style: chr19-50813032-A-C.
Other names: c.5997A>C, p.Pro1999= (NM_001077186.2); c.5973A>C, p.Pro1991= (NM_024729.4); c.6096A>C (NM_001145809.1).
Identifiers: ClinVar variation 993658 (VCV000993658.34), dbSNP rs2036794131, ClinGen allele CA508184485.

ClinVar aggregate classification (germline): Likely benign. Review status: criteria provided, multiple submitters, no conflicts (2 of 4 stars). 3 submissions from 3 submitters: Likely benign (2). 1 of the submissions does not count toward it. Last evaluated 2024-05-01.

Conditions:
MYH14-related disorder. Also called: MYH14-related condition.

Submissions (3):

CeGaT Center for Human Genetics Tuebingen
Classification: Likely benign. Last evaluated: 2024-05-01. Review status: criteria provided, single submitter. Criteria: CeGaT Center For Human Genetics Tuebingen Variant Classification Criteria Version 2. Collection method: clinical testing. Allele origin: germline. Affected: yes. Observed: 3 variant alleles.
Comment: MYH14: BP4, BP7

ARUP Laboratories, Molecular Genetics and Genomics, ARUP Laboratories
Classification: Likely benign. Last evaluated: 2023-09-22. Review status: criteria provided, single submitter. Criteria: ARUP Molecular Germline Variant Investigation Process 2024. Collection method: clinical testing. Allele origin: germline.

PreventionGenetics, part of Exact Sciences
Classification: Likely benign for MYH14-related condition. Last evaluated: 2020-04-16. Review status: no assertion criteria provided. Collection method: clinical testing. Allele origin: germline. Not counted in ClinVar's aggregate classification.
Comment: This variant is classified as likely benign based on ACMG/AMP sequence variant interpretation guidelines (Richards et al. 2015 PMID: 25741868, with internal and published modifications).